The following is an entry in ClinVar:

NM_000388.4(CASR):c.614G>C (p.Arg205Pro)

Gene: CASR (calcium sensing receptor; plus strand). Cytogenetic location: 3q21.1.
Variant type: single nucleotide variant.
Coding change: c.614G>C on transcript NM_000388.4 (MANE Select); coding-DNA position 614, G replaced by C.
Protein change: p.Arg205Pro; replaces arginine 205 with proline.
Molecular consequence: missense variant.
Genome position (GRCh38, 1-based): chr3:122,261,649, G>C. VCF-style: chr3-122261649-G-C. GRCh37 (hg19) VCF-style: chr3-121980496-G-C.
Other names: c.614G>C, p.Arg205Pro (NM_001178065.2); short protein forms R205P.
Identifiers: ClinVar variation 1521230 (VCV001521230.8), dbSNP rs763162046, ClinGen allele CA354150969.
Genomic context (GRCh38, chr3:122,261,649, plus strand): 5'-GAACCATCCCCAATGATGAGCACCAGGCCACTGCCATGGCAGACATCATCGAGTATTTCC[G>C]CTGGAACTGGGTGGGCACAATTGCAGCTGATGACGACTATGGGCGGCCGGGGATTGAGAA-3'
Protein context (NP_000379.3, residues 195-215): TAMADIIEYF[Arg205Pro]WNWVGTIAAD

ClinVar aggregate classification (germline): Uncertain significance. Review status: criteria provided, multiple submitters, no conflicts (2 of 4 stars). 2 submissions from 2 submitters: Uncertain significance (2). Last evaluated 2022-10-28.

Conditions:
Familial hypocalciuric hypercalcemia (FHH). Also called: Familial benign hypercalcemia. Identifiers: Orphanet 405, MedGen C1809471, MONDO:0018458.
Autosomal dominant hypocalcemia 1 (HYPOC1). Also called: HYPOCALCEMIA, FAMILIAL. Identifiers: MONDO:0011013, OMIM 601198, MedGen C3715128.
Nephrolithiasis/nephrocalcinosis. Identifiers: MedGen CN580796.

Submissions (2):

Ambry Genetics
Classification: Uncertain significance for Nephrolithiasis/nephrocalcinosis. Last evaluated: 2022-10-28. Review status: criteria provided, single submitter. Criteria: Ambry Variant Classification Scheme 2023. Collection method: clinical testing. Allele origin: germline.
Comment: The p.R205P variant (also known as c.614G>C), located in coding exon 3 of the CASR gene, results from a G to C substitution at nucleotide position 614. The arginine at codon 205 is replaced by proline, an amino acid with dissimilar properties. This amino acid position is conserved. In addition, the in silico prediction for this alteration is inconclusive. Since supporting evidence is limited at this time, the clinical significance of this alteration remains unclear.

Labcorp Genetics (formerly Invitae), Labcorp
Classification: Uncertain significance for Familial hypocalciuric hypercalcemia; Autosomal dominant hypocalcemia 1. Last evaluated: 2021-09-25. Review status: criteria provided, single submitter. Criteria: Invitae Variant Classification Sherloc (09022015). Collection method: clinical testing. Allele origin: germline.
Comment: In summary, the available evidence is currently insufficient to determine the role of this variant in disease. Therefore, it has been classified as a Variant of Uncertain Significance. Algorithms developed to predict the effect of missense changes on protein structure and function are either unavailable or do not agree on the potential impact of this missense change (SIFT: "Deleterious"; PolyPhen-2: "Benign"; Align-GVGD: "Class C15"). This variant has not been reported in the literature in individuals affected with CASR-related conditions. This variant is not present in population databases (ExAC no frequency). This sequence change replaces arginine with proline at codon 205 of the CASR protein (p.Arg205Pro). The arginine residue is highly conserved and there is a moderate physicochemical difference between arginine and proline.